The following is an entry in ClinVar:

NM_015338.6(ASXL1):c.2101C>T (p.Pro701Ser)

Gene: ASXL1 (ASXL transcriptional regulator 1; plus strand). Cytogenetic location: 20q11.21.
Variant type: single nucleotide variant.
Coding change: c.2101C>T on transcript NM_015338.6 (MANE Select); coding-DNA position 2101, C replaced by T.
Protein change: p.Pro701Ser; replaces proline 701 with serine.
Molecular consequence: missense variant.
Genome position (GRCh38, 1-based): chr20:32,434,813, C>T. VCF-style: chr20-32434813-C-T. GRCh37 (hg19) VCF-style: chr20-31022616-C-T.
Other names: c.1918C>T, p.Pro640Ser (NM_001363734.1); short protein forms P701S, P640S.
Identifiers: ClinVar variation 4158388 (VCV004158388.1).

ClinVar aggregate classification (germline): Uncertain significance (1 of 4 stars; one submission).

Conditions:
Inborn genetic diseases. Identifiers: MedGen C0950123, MeSH D030342.

Submission:

Ambry Genetics
Classification: Uncertain significance for Inborn genetic diseases. Last evaluated: 2025-07-21. Review status: criteria provided, single submitter. Criteria: Ambry Variant Classification Scheme 2023. Collection method: clinical testing. Allele origin: germline.
Comment: The p.P701S variant (also known as c.2101C>T), located in coding exon 13 of the ASXL1 gene, results from a C to T substitution at nucleotide position 2101. The proline at codon 701 is replaced by serine, an amino acid with similar properties. This amino acid position is conserved. In addition, this alteration is predicted to be tolerated by in silico analysis. Based on the available evidence, the clinical significance of this variant remains unclear.